The following is an entry in ClinVar:

ClinVar aggregate classification (germline): Conflicting classifications of pathogenicity. Review status: criteria provided, conflicting classifications (1 of 4 stars). 4 submissions from 4 submitters: Uncertain significance (2); Likely benign (2). Last evaluated 2025-04-09.

Conditions:
Cardiovascular phenotype. Identifiers: MedGen CN230736.

Allele frequency attached by ClinVar (database versions not stated): TOPMed below 0.00001; gnomAD exomes 0.00001.
gnomAD v4.1: 4 of 1,613,580 alleles (0.00025%); highest among the groups gnomAD compares: Non-Finnish European, 0.00025%; no homozygotes.

Submissions (4):

Molecular Diagnostic Laboratory for Inherited Cardiovascular Disease, Montreal Heart Institute
Classification: Likely benign. Last evaluated: 2025-04-09. Review status: criteria provided, single submitter. Criteria: ACMG Guidelines, 2015. Collection method: clinical testing. Allele origin: germline. Affected: no.
Comment: BP1

Blueprint Genetics
Classification: Likely benign. Last evaluated: 2023-12-06. Review status: criteria provided, single submitter. Criteria: ACMG Guidelines, 2015. Collection method: clinical testing. Allele origin: germline.

Ambry Genetics
Classification: Uncertain significance for Cardiovascular phenotype. Last evaluated: 2019-05-30. Review status: criteria provided, single submitter. Criteria: Ambry Variant Classification Scheme 2023. Collection method: clinical testing. Allele origin: germline.
Comment: The p.E23204D variant (also known as c.69612A>T), located in coding exon 174 of the TTN gene, results from an A to T substitution at nucleotide position 69612. The glutamic acid at codon 23204 is replaced by aspartic acid, an amino acid with highly similar properties. This amino acid position is highly conserved in available vertebrate species. In addition, this alteration is predicted to be tolerated by in silico analysis. Since supporting evidence is limited at this time, the clinical significance of this alteration remains unclear.

Laboratory for Molecular Medicine, Mass General Brigham Personalized Medicine
Classification: Uncertain significance. Last evaluated: 2015-10-30. Review status: criteria provided, single submitter. Criteria: LMM Criteria. Collection method: clinical testing. Allele origin: germline. Observed: 1 variant allele.
Comment: The p.Glu29701Asp variant in TTN has not been previously reported in individuals with cardiomyopathy or in large population studies. Computational prediction to ols and conservation analysis suggest that the p.Glu29701Asp variant may impact the protein, though this information is not predictive enough to determine patho genicity. In summary, the clinical significance of the p.Glu29701Asp variant is uncertain.

NM_001267550.2(TTN):c.96807A>T (p.Glu32269Asp)

Genes: TTN (titin; minus strand), TTN-AS1 (TTN antisense RNA 1; plus strand), LOC126806421 (CDK7 strongly-dependent group 2 enhancer GRCh37_chr2:179407630-179408829; plus strand). Cytogenetic location: 2q31.2.
Variant type: single nucleotide variant.
Coding change: c.96807A>T on transcript NM_001267550.2 (MANE Select); coding-DNA position 96807, A replaced by T.
Protein change: p.Glu32269Asp; replaces glutamic acid 32269 with aspartic acid.
Molecular consequence: missense variant.
Genome position (GRCh38, 1-based): chr2:178,543,166, T>A on the plus strand (A>T on the coding strand, the complement: TTN is on the minus strand). VCF-style: chr2-178543166-T-A. GRCh37 (hg19) VCF-style: chr2-179407893-T-A.
Other names: c.89103A>T, p.Glu29701Asp (NM_133378.4); c.91884A>T, p.Glu30628Asp (NM_001256850.1); c.69612A>T, p.Glu23204Asp (NM_003319.4); c.69987A>T, p.Glu23329Asp (NM_133432.3); c.70188A>T, p.Glu23396Asp (NM_133437.4); short protein forms E29701D, E32269D, E23204D, E30628D, E23396D, E23329D.
Identifiers: ClinVar variation 229547 (VCV000229547.9), dbSNP rs876658095, ClinGen allele CA10576456.